The following is an entry in ClinVar:

ClinVar aggregate classification (germline): Pathogenic (1 of 4 stars; one submission).

Submission:

GeneDx
Classification: Pathogenic. Last evaluated: 2019-09-25. Review status: criteria provided, single submitter. Criteria: GeneDx Variant Classification Process June 2021. Collection method: clinical testing. Allele origin: germline. Affected: yes.
Comment: Has not been previously published as pathogenic or benign to our knowledge; Not observed in large population cohorts (Lek et al., 2016); Nonsense variant predicted to result in protein truncation or nonsense mediated decay in a gene for which loss-of-function is a known mechanism of disease

NM_001145358.2(SIN3A):c.1912A>T (p.Lys638Ter)

Gene: SIN3A (SIN3 transcription regulator family member A; minus strand). Cytogenetic location: 15q24.2.
Variant type: single nucleotide variant.
Coding change: c.1912A>T on transcript NM_001145358.2 (MANE Select); coding-DNA position 1912, A replaced by T.
Protein change: p.Lys638Ter; replaces lysine 638 with a stop codon.
Molecular consequence: nonsense.
Genome position (GRCh38, 1-based): chr15:75,396,439, T>A on the plus strand (A>T on the coding strand, the complement: SIN3A is on the minus strand). VCF-style: chr15-75396439-T-A. GRCh37 (hg19) VCF-style: chr15-75688780-T-A.
Other names: c.1912A>T, p.Lys638Ter (NM_015477.3, NM_001145357.2); short protein forms K638*.
Identifiers: ClinVar variation 620463 (VCV000620463.2), dbSNP rs1567341422, ClinGen allele CA393495483.
Genomic context (GRCh38, chr15:75,396,439, plus strand): 5'-CAAGGGTGTTGTCCAAGCGAAATTTGGCTTGTTCTTCAGCAGACAAGCGGGAAAGCTTCT[T>A]CTGTATTGCTTCCAGAACCCGGATTGTTGCCAGATTGGTCTCTAAAACTACATCAAGCTG-3'